The following is an entry in ClinVar:

ClinVar aggregate classification (germline): Pathogenic. Review status: reviewed by expert panel (3 of 4 stars). 2 submissions from 2 submitters: Pathogenic (1). 1 of the submissions does not count toward it. Last evaluated 2025-04-07.

Conditions:
Mucopolysaccharidosis type 1. Also called: IDUA deficiency; MPS I; Mucopolysaccharidosis Type I. Identifiers: Orphanet 579, MedGen C0023786, MONDO:0001586.

Allele frequency attached by ClinVar (database versions not stated): TOPMed below 0.00001.

Submissions (2):

ClinGen Lysosomal Storage Disorder Variant Curation Expert Panel
Classification: Pathogenic for Mucopolysaccharidosis type 1. Last evaluated: 2025-04-07. Review status: reviewed by expert panel. Criteria: ClinGen LSD ACMG Specifications IDUA V1.0.0. Collection method: curation. Allele origin: germline. Inheritance: Autosomal recessive inheritance.
Comment: The NM_000203.5:c. c.123G>A (p.Trp41Ter) variant in IDUA is a nonsense variant predicted to cause a premature stop codon in biologically-relevant-exon 1 out of 14, leading to nonsense mediated decay in a gene in which loss-of-function is an established disease mechanism (PVS1). This variant has been detected in at least one individual with Hurler syndrome, presenting with IDUA deficiency within the affected range, increased excretion of urinary dermatan sulfate and heparan sulfate, and clinical features specific to MPS I including Macrocephaly, joint stiffness, Mongolian macula, hepatosplenomegaly, hernia, cardiac disease, and airway obstruction (PMID 21480867) (PP4_moderate). The allelic data for this patient will be used to support the classification of c.300-1G>C and is not included here in order to avoid circular logic. The highest population minor allele frequency in gnomAD v4.1.0 is 8.889e-7 (1/1,124,963 alleles) in the Non-Finnish European population, which is lower than the ClinGen Lysosomal Diseases VCEP’s threshold for PM2_Supporting (>0.00025), meeting this criterion (PM2_Supporting). There is a ClinVar entry for this variant (Variation ID: 2734632). In summary, this variant meets the criteria to be classified as pathogenic for MPS I based on the IDUA-specific ACMG/AMP criteria applied, as specified by the ClinGen Lysosomal Diseases Variant Curation Expert panel (Specifications Version 1.0.0): (PVS1, PP4 moderate, PM2 supporting). (Classification approved by the ClinGen Lysosomal Diseases Variant Curation Expert Panel on April 7, 2025)

Labcorp Genetics (formerly Invitae), Labcorp
Classification: Pathogenic for Mucopolysaccharidosis type 1. Last evaluated: 2022-11-24. Review status: criteria provided, single submitter. Criteria: Invitae Variant Classification Sherloc (09022015). Collection method: clinical testing. Allele origin: germline. Not counted in ClinVar's aggregate classification.
Comment: This premature translational stop signal has been observed in individual(s) with mucopolysaccharidosis type I (PMID: 21480867). For these reasons, this variant has been classified as Pathogenic. This variant is not present in population databases (gnomAD no frequency). This sequence change creates a premature translational stop signal (p.Trp41*) in the IDUA gene. It is expected to result in an absent or disrupted protein product. Loss-of-function variants in IDUA are known to be pathogenic (PMID: 11735025, 21480867).

Literature cited by the submitters: PubMed 21480867 (cited by Labcorp Genetics (formerly Invitae), Labcorp); PubMed 11735025 (cited by Labcorp Genetics (formerly Invitae), Labcorp).

NM_000203.5(IDUA):c.123G>A (p.Trp41Ter)

Genes: IDUA (alpha-L-iduronidase; plus strand), SLC26A1 (solute carrier family 26 member 1; minus strand). Cytogenetic location: 4p16.3.
Variant type: single nucleotide variant.
Coding change: c.123G>A on transcript NM_000203.5 (MANE Select); coding-DNA position 123, G replaced by A.
Protein change: p.Trp41Ter; replaces tryptophan 41 with a stop codon.
Molecular consequence: nonsense. On other transcripts: non-coding transcript variant (1), intron variant (1).
Genome position (GRCh38, 1-based): chr4:987,207, G>A. VCF-style: chr4-987207-G-A. GRCh37 (hg19) VCF-style: chr4-980995-G-A.
Other names: NM_000203.5(IDUA):c.123G>A; p.Trp41Ter; c.576+3921C>T (NM_134425.4); short protein forms W41*.
Identifiers: ClinVar variation 2734632 (VCV002734632.4), dbSNP rs1219417104, ClinGen allele CA355945567.
Genomic context (GRCh38, chr4:987,207, plus strand): 5'-CCCGGTGGCCCCGGCCGAGGCCCCGCACCTGGTGCATGTGGACGCGGCCCGCGCGCTGTG[G>A]CCCCTGCGGCGCTTCTGGAGGAGCACAGGCTTCTGGTGAGCGCTCCGCGGCCTCCGGGAC-3'